The following is an entry in ClinVar:

ClinVar aggregate classification (germline): Benign. Review status: criteria provided, multiple submitters, no conflicts (2 of 4 stars). 3 submissions from 3 submitters: Benign (3). Last evaluated 2021-05-12.

Conditions:
Lysosomal acid lipase deficiency. Also called: Acid cholesteryl ester hydrolase deficiency, type 2. Identifiers: Orphanet 275761, MedGen C5574740, MONDO:0800449, MONDO:0010204.

Allele frequency attached by ClinVar (database versions not stated): 1000 Genomes Project 0.18431; gnomAD 0.21037 and 0.21939; gnomAD exomes 0.50000; 1000 Genomes Project 30x 0.19004; TOPMed 0.21690.
gnomAD v4.1: 31,880 of 152,178 alleles (21%); highest among the groups gnomAD compares: African/African-American, 41%; 4,601 homozygotes.

Submissions (3):

GeneDx
Classification: Benign. Last evaluated: 2021-05-12. Review status: criteria provided, single submitter. Criteria: GeneDx Variant Classification Process June 2021. Collection method: clinical testing. Allele origin: germline. Affected: yes.

Illumina Laboratory Services, Illumina
Classification: Benign for Cholesteryl ester storage disease. Last evaluated: 2018-01-12. Review status: criteria provided, single submitter. Criteria: ICSL Variant Classification Criteria 13 December 2019. Collection method: clinical testing. Allele origin: germline.
Comment: This variant was observed in the ICSL laboratory as part of a predisposition screen in an ostensibly healthy population. It had not been previously curated by ICSL or reported in the Human Gene Mutation Database (HGMD: prior to June 1st, 2018), and was therefore a candidate for classification through an automated scoring system. Utilizing variant allele frequency, disease prevalence and penetrance estimates, and inheritance mode, an automated score was calculated to assess if this variant is too frequent to cause the disease. Based on the score and internal cut-off values, a variant classified as benign is not then subjected to further curation. The score for this variant resulted in a classification of benign for this disease.

Breakthrough Genomics
Classification: Benign. Review status: criteria provided, single submitter. Criteria: ACMG Guidelines, 2015. Collection method: not provided. Allele origin: germline. Inheritance: Autosomal recessive inheritance. Affected: yes.

NM_000235.4(LIPA):c.*909T>A

Gene: LIPA (lipase A, lysosomal acid type; minus strand). Cytogenetic location: 10q23.31.
Variant type: single nucleotide variant.
Coding change: c.*909T>A on transcript NM_000235.4 (MANE Select); 909 bases downstream of the stop codon, T replaced by A.
Molecular consequence: 3 prime UTR variant.
Genome position (GRCh38, 1-based): chr10:89,213,919, A>T on the plus strand (T>A on the coding strand, the complement: LIPA is on the minus strand). VCF-style: chr10-89213919-A-T. GRCh37 (hg19) VCF-style: chr10-90973676-A-T.
Other names: c.*909T>A (NM_001127605.3, NM_001288979.2).
Identifiers: ClinVar variation 301555 (VCV000301555.9), dbSNP rs1131706, ClinGen allele CA10629441.